The following is an entry in ClinVar:

ClinVar aggregate classification (germline): Uncertain significance. Review status: criteria provided, multiple submitters, no conflicts (2 of 4 stars). 2 submissions from 2 submitters: Uncertain significance (2). Last evaluated 2026-05-17.

Conditions:
DICER1-related tumor predisposition. Also called: DICER1 syndrome; DICER1-related pleuropulmonary blastoma cancer predisposition syndrome. Identifiers: Orphanet 284343, MedGen C3839822, MONDO:0100216.
Hereditary cancer-predisposing syndrome. Also called: Hereditary neoplastic syndrome; Neoplastic Syndromes, Hereditary; Tumor predisposition; Hereditary Cancer Syndrome. Identifiers: Orphanet 140162, MedGen C0027672, MeSH D009386, MONDO:0015356.

Allele frequency attached by ClinVar (database versions not stated): gnomAD exomes below 0.00001; ExAC 0.00002.
gnomAD v4.1: 3 of 1,614,186 alleles (0.00019%); highest among the groups gnomAD compares: Non-Finnish European, 0.00017%; no homozygotes.

Submissions (2):

Ambry Genetics
Classification: Uncertain significance for Hereditary cancer-predisposing syndrome. Last evaluated: 2026-05-17. Review status: criteria provided, single submitter. Criteria: Ambry Variant Classification Scheme 2023. Collection method: clinical testing. Allele origin: germline.
Comment: The p.L616W variant (also known as c.1847T>G), located in coding exon 10 of the DICER1 gene, results from a T to G substitution at nucleotide position 1847. The leucine at codon 616 is replaced by tryptophan, an amino acid with similar properties. This amino acid position is conserved. In addition, the in silico prediction for this alteration is inconclusive. Based on the available evidence, the clinical significance of this variant remains unclear.

Labcorp Genetics (formerly Invitae), Labcorp
Classification: Uncertain significance for DICER1-related tumor predisposition. Last evaluated: 2020-05-11. Review status: criteria provided, single submitter. Criteria: Invitae Variant Classification Sherloc (09022015). Collection method: clinical testing. Allele origin: germline.
Comment: This sequence change replaces leucine with tryptophan at codon 616 of the DICER1 protein (p.Leu616Trp). The leucine residue is highly conserved and there is a small physicochemical difference between leucine and tryptophan. This variant is present in population databases (rs771634025, ExAC 0.003%). Algorithms developed to predict the effect of missense changes on protein structure and function are either unavailable or do not agree on the potential impact of this missense change (SIFT: "Deleterious"; PolyPhen-2: "Probably Damaging"; Align-GVGD: "Class C0"). This variant has not been reported in the literature in individuals with DICER1-related conditions. In summary, the available evidence is currently insufficient to determine the role of this variant in disease. Therefore, it has been classified as a Variant of Uncertain Significance.

NM_177438.3(DICER1):c.1847T>G (p.Leu616Trp)

Gene: DICER1 (dicer 1, ribonuclease III; minus strand). Cytogenetic location: 14q32.13.
Variant type: single nucleotide variant.
Coding change: c.1847T>G on transcript NM_177438.3 (MANE Select); coding-DNA position 1847, T replaced by G.
Protein change: p.Leu616Trp; replaces leucine 616 with tryptophan.
Molecular consequence: missense variant.
Genome position (GRCh38, 1-based): chr14:95,115,727, A>C on the plus strand (T>G on the coding strand, the complement: DICER1 is on the minus strand). VCF-style: chr14-95115727-A-C. GRCh37 (hg19) VCF-style: chr14-95582064-A-C.
Other names: c.1847T>G, p.Leu616Trp (NM_001195573.1, NM_001271282.3, NM_001291628.2 and 1 more transcripts); c.1847T>G (NM_177438.2); short protein forms L616W.
Identifiers: ClinVar variation 1059250 (VCV001059250.11), dbSNP rs771634025, ClinGen allele CA7331386.